The following is an entry in ClinVar:

NM_177438.3(DICER1):c.1118T>C (p.Val373Ala)

Gene: DICER1 (dicer 1, ribonuclease III; minus strand). Cytogenetic location: 14q32.13.
Variant type: single nucleotide variant.
Coding change: c.1118T>C on transcript NM_177438.3 (MANE Select); coding-DNA position 1118, T replaced by C.
Protein change: p.Val373Ala; replaces valine 373 with alanine.
Molecular consequence: missense variant. On other transcripts: 5 prime UTR variant (1), non-coding transcript variant (6).
Genome position (GRCh38, 1-based): chr14:95,124,454, A>G on the plus strand (T>C on the coding strand, the complement: DICER1 is on the minus strand). VCF-style: chr14-95124454-A-G. GRCh37 (hg19) VCF-style: chr14-95590791-A-G.
Other names: c.1118T>C, p.Val373Ala (NM_001195573.1, NM_001271282.3, NM_001291628.2 and 14 more transcripts); c.836T>C, p.Val279Ala (NM_001395686.1); c.713T>C, p.Val238Ala (NM_001395687.1, NM_001395688.1, NM_001395689.1 and 3 more transcripts); c.551T>C, p.Val184Ala (NM_001395691.1); c.-451T>C (NM_001395697.1); short protein forms V184A, V238A, V279A, V373A.
Identifiers: ClinVar variation 4686325 (VCV004686325.1).
Genomic context (GRCh38, chr14:95,124,454, plus strand): 5'-TGTCGCTCATATGGTTTATATTTGCGTAAGATTTCGAGCAGTTTGATTACTTTAGGAGTT[A>G]CAAATTTCAGGTCAAGTGAGGCAGGTGAGAAGTGCTCTTCACATAGTGCATGTATTTTCC-3'
Protein context (NP_803187.1, residues 363-383): FSPASLDLKF[Val373Ala]TPKVIKLLEI

ClinVar aggregate classification (germline): Uncertain significance (1 of 4 stars; one submission).

Submission:

GeneDx
Classification: Uncertain significance. Last evaluated: 2025-07-16. Review status: criteria provided, single submitter. Criteria: GeneDx Variant Classification Process June 2021. Collection method: clinical testing. Allele origin: germline. Affected: yes.
Comment: Not observed at significant frequency in large population cohorts (gnomAD); In silico analysis suggests that this missense variant does not alter protein structure/function; Has not been previously published as pathogenic or benign to our knowledge